The following is an entry in ClinVar:

ClinVar aggregate classification (germline): Uncertain significance (1 of 4 stars; one submission).

gnomAD v4.1: 9 of 1,614,098 alleles (0.00056%); highest among the groups gnomAD compares: Non-Finnish European, 0.00076%; no homozygotes.

Submission:

Ambry Genetics
Classification: Uncertain significance. Last evaluated: 2022-07-25. Review status: criteria provided, single submitter. Criteria: Ambry Variant Classification Scheme 2023. Collection method: clinical testing. Allele origin: germline.
Comment: The p.A899V variant (also known as c.2696C>T), located in coding exon 13 of the NPAT gene, results from a C to T substitution at nucleotide position 2696. The alanine at codon 899 is replaced by valine, an amino acid with similar properties. This amino acid position is conserved. In addition, this alteration is predicted to be tolerated by in silico analysis. Since supporting evidence is limited at this time, the clinical significance of this alteration remains unclear.

NM_002519.3(NPAT):c.2696C>T (p.Ala899Val)

Gene: NPAT (nuclear protein, coactivator of histone transcription; minus strand). Cytogenetic location: 11q22.3.
Variant type: single nucleotide variant.
Coding change: c.2696C>T on transcript NM_002519.3 (MANE Select); coding-DNA position 2696, C replaced by T.
Protein change: p.Ala899Val; replaces alanine 899 with valine.
Molecular consequence: missense variant.
Genome position (GRCh38, 1-based): chr11:108,172,288, G>A on the plus strand (C>T on the coding strand, the complement: NPAT is on the minus strand). VCF-style: chr11-108172288-G-A. GRCh37 (hg19) VCF-style: chr11-108043015-G-A.
Other names: c.2696C>T, p.Ala899Val (NM_001321307.1); short protein forms A899V.
Identifiers: ClinVar variation 1794851 (VCV001794851.2), dbSNP rs2496716297, ClinGen allele CA382512427.